The following is an entry in ClinVar:

ClinVar aggregate classification (germline): Uncertain significance. Review status: criteria provided, multiple submitters, no conflicts (2 of 4 stars). 2 submissions from 2 submitters: Uncertain significance (2). Last evaluated 2019-06-17.

Conditions:
Neuronopathy, distal hereditary motor, type 7B. Also called: Distal Hereditary Motor Neuronopathy Type 7B (dHMN7B); HMN VIIB; NEURONOPATHY, DISTAL HEREDITARY MOTOR, AUTOSOMAL DOMINANT 14; NEURONOPATHY, DISTAL HEREDITARY MOTOR, HARDING TYPE VIIB; NEUROPATHY, DISTAL HEREDITARY MOTOR, HARDING TYPE VIIB; NEUROPATHY, DISTAL HEREDITARY MOTOR, WITH VOCAL CORD PARALYSIS, HARDING TYPE VIIB. Identifiers: Orphanet 139589, MedGen C1843315, MONDO:0011879, OMIM 607641.
Amyotrophic lateral sclerosis type 1 (ALS1). Also called: AMYOTROPHIC LATERAL SCLEROSIS 1, FAMILIAL. Identifiers: Orphanet 803, MedGen C1862939, MONDO:0007103, OMIM 105400.
Perry syndrome. Also called: PARKINSONISM WITH ALVEOLAR HYPOVENTILATION AND MENTAL DEPRESSION. Identifiers: Orphanet 178509, MedGen C1868594, MONDO:0008201, OMIM 168605.

Allele frequency attached by ClinVar (database versions not stated): ExAC 0.00001; gnomAD 0.00001; TOPMed 0.00002.
gnomAD v4.1: 37 of 1,614,006 alleles (0.0023%); highest among the groups gnomAD compares: Non-Finnish European, 0.0031%; no homozygotes.

Submissions (2):

Labcorp Genetics (formerly Invitae), Labcorp
Classification: Uncertain significance for Amyotrophic lateral sclerosis type 1; Neuronopathy, distal hereditary motor, type 7B; Perry syndrome. Last evaluated: 2019-06-17. Review status: criteria provided, single submitter. Criteria: Invitae Variant Classification Sherloc (09022015). Collection method: clinical testing. Allele origin: germline.
Comment: In summary, the available evidence is currently insufficient to determine the role of this variant in disease. Therefore, it has been classified as a Variant of Uncertain Significance. Algorithms developed to predict the effect of sequence changes on RNA splicing suggest that this variant may create or strengthen a splice site, but this prediction has not been confirmed by published transcriptional studies. Algorithms developed to predict the effect of missense changes on protein structure and function are either unavailable or do not agree on the potential impact of this missense change (SIFT: "Deleterious"; PolyPhen-2: "Benign"; Align-GVGD: "Class C35"). This variant has not been reported in the literature in individuals with DCTN1-related conditions. This variant is present in population databases (rs748860016, ExAC 0.001%). This sequence change replaces aspartic acid with tyrosine at codon 1240 of the DCTN1 protein (p.Asp1240Tyr). The aspartic acid residue is highly conserved and there is a large physicochemical difference between aspartic acid and tyrosine.

Baylor Genetics
Classification: Uncertain significance for Neuronopathy, distal hereditary motor, type 7B. Last evaluated: 2019-02-02. Review status: criteria provided, single submitter. Criteria: ACMG Guidelines, 2015. Collection method: clinical testing. Allele origin: paternal. Affected: yes.
Comment: This variant was determined to be of uncertain significance according to ACMG Guidelines, 2015 [PMID:25741868].

NM_004082.5(DCTN1):c.3718G>T (p.Asp1240Tyr)

Gene: DCTN1 (dynactin subunit 1; minus strand). Cytogenetic location: 2p13.1.
Variant type: single nucleotide variant.
Coding change: c.3718G>T on transcript NM_004082.5 (MANE Select); coding-DNA position 3718, G replaced by T.
Protein change: p.Asp1240Tyr; replaces aspartic acid 1240 with tyrosine.
Molecular consequence: missense variant. On other transcripts: non-coding transcript variant (1).
Genome position (GRCh38, 1-based): chr2:74,361,618, C>A on the plus strand (G>T on the coding strand, the complement: DCTN1 is on the minus strand). VCF-style: chr2-74361618-C-A. GRCh37 (hg19) VCF-style: chr2-74588745-C-A.
Other names: c.3643G>T, p.Asp1215Tyr (NM_001135040.3); c.3301G>T, p.Asp1101Tyr (NM_001135041.3); c.3592G>T, p.Asp1198Tyr (NM_001190836.2); c.3697G>T, p.Asp1233Tyr (NM_001190837.2); c.3667G>T, p.Asp1223Tyr (NM_001378991.1); c.3649G>T, p.Asp1217Tyr (NM_001378992.1); c.3316G>T, p.Asp1106Tyr (NM_023019.4); short protein forms D1106Y, D1215Y, D1217Y, D1101Y, D1198Y, D1240Y, D1223Y, D1233Y.
Identifiers: ClinVar variation 946666 (VCV000946666.11), dbSNP rs748860016, ClinGen allele CA1721365.